The following is an entry in ClinVar:

NM_006180.6(NTRK2):c.2492C>T (p.Pro831Leu)

Gene: NTRK2 (neurotrophic receptor tyrosine kinase 2; plus strand). Cytogenetic location: 9q21.33.
Variant type: single nucleotide variant.
Coding change: c.2492C>T on transcript NM_006180.6 (MANE Select); coding-DNA position 2492, C replaced by T.
Protein change: p.Pro831Leu; replaces proline 831 with leucine.
Molecular consequence: missense variant.
Genome position (GRCh38, 1-based): chr9:85,021,412, C>T. VCF-style: chr9-85021412-C-T. GRCh37 (hg19) VCF-style: chr9-87636327-C-T.
Other names: c.2492C>T (NM_006180.4); c.2444C>T, p.Pro815Leu (NM_001018064.3, NM_001369532.1, NM_001369533.1); c.2408C>T, p.Pro803Leu (NM_001369534.1); c.1976C>T, p.Pro659Leu (NM_001369535.1); c.2024C>T, p.Pro675Leu (NM_001369536.1); c.2492C>T, p.Pro831Leu (NM_001381928.1); short protein forms P659L, P815L, P831L, P675L, P803L.
Identifiers: ClinVar variation 2129507 (VCV002129507.5), dbSNP rs770827440, ClinGen allele CA5106001.

ClinVar aggregate classification (germline): Uncertain significance. Review status: criteria provided, multiple submitters, no conflicts (2 of 4 stars). 2 submissions from 2 submitters: Uncertain significance (2). Last evaluated 2025-12-31.

Conditions:
NTRK2-related disorder. Also called: NTRK2-related condition.

Allele frequency attached by ClinVar (database versions not stated): gnomAD exomes 0.00001; ExAC 0.00002.
gnomAD v4.1: 11 of 1,614,154 alleles (0.00068%); highest among the groups gnomAD compares: Admixed American, 0.0017%; no homozygotes.

Submissions (2):

PreventionGenetics, part of Exact Sciences
Classification: Uncertain significance for NTRK2-related condition. Last evaluated: 2025-12-31. Review status: criteria provided, single submitter. Criteria: ACMG Guidelines, 2015. Collection method: clinical testing. Allele origin: germline.
Comment: The NTRK2 c.2492C>T variant is predicted to result in the amino acid substitution p.Pro831Leu. To our knowledge, this variant has not been reported in the literature. This variant is reported in 0.0029% of alleles in individuals of Latino descent in gnomAD. At this time, the clinical significance of this variant is uncertain due to the absence of conclusive functional and genetic evidence.

Labcorp Genetics (formerly Invitae), Labcorp
Classification: Uncertain significance. Last evaluated: 2024-10-23. Review status: criteria provided, single submitter. Criteria: Invitae Variant Classification Sherloc (09022015). Collection method: clinical testing. Allele origin: germline.
Comment: This sequence change replaces proline, which is neutral and non-polar, with leucine, which is neutral and non-polar, at codon 831 of the NTRK2 protein (p.Pro831Leu). This variant is present in population databases (rs770827440, gnomAD 0.003%). This variant has not been reported in the literature in individuals affected with NTRK2-related conditions. ClinVar contains an entry for this variant (Variation ID: 2129507). Invitae Evidence Modeling of protein sequence and biophysical properties (such as structural, functional, and spatial information, amino acid conservation, physicochemical variation, residue mobility, and thermodynamic stability) indicates that this missense variant is not expected to disrupt NTRK2 protein function with a negative predictive value of 80%. In summary, the available evidence is currently insufficient to determine the role of this variant in disease. Therefore, it has been classified as a Variant of Uncertain Significance.